The following is an entry in ClinVar:

NM_001267550.2(TTN):c.92-22G>A

Gene: TTN (titin; minus strand). Cytogenetic location: 2q31.2.
Variant type: single nucleotide variant.
Coding change: c.92-22G>A on transcript NM_001267550.2 (MANE Select); 22 bases into the intron before coding-DNA position 92, G replaced by A.
Molecular consequence: intron variant.
Genome position (GRCh38, 1-based): chr2:178,802,363, C>T on the plus strand (G>A on the coding strand, the complement: TTN is on the minus strand). VCF-style: chr2-178802363-C-T. GRCh37 (hg19) VCF-style: chr2-179667090-C-T.
Other names: c.92-22G>A (NM_001256850.1, NM_003319.4, NM_133437.4 and 3 more transcripts).
Identifiers: ClinVar variation 671211 (VCV000671211.4), dbSNP rs3816849, ClinGen allele CA2006420.
Genomic context (GRCh38, chr2:178,802,363, plus strand): 5'-GGCCATCCCTAAACCAGCTCACCTCAGGAACTGGAAAACCTGAAGAGCAAGAACAATTCA[C>T]CTTTATGTTTGAATGGGCACCACAAAGTCCTCTGCTCTGTCCCATCATGTTCACTGCCTT-3'

ClinVar aggregate classification (germline): Benign. Review status: criteria provided, multiple submitters, no conflicts (2 of 4 stars). 4 submissions from 4 submitters: Benign (4). Last evaluated 2026-09-21.

Allele frequency attached by ClinVar (database versions not stated): gnomAD exomes 0.56968 and 0.63369; ExAC 0.64751; gnomAD 0.62416 and 0.62690; 1000 Genomes Project 0.70347; ESP Exome Variant Server 0.60026; TOPMed 0.63381; 1000 Genomes Project 30x 0.70456.
gnomAD v4.1: 924,550 of 1,606,774 alleles (58%); highest among the groups gnomAD compares: East Asian, 86%; 271,930 homozygotes.

Submissions (4):

Molecular Diagnostic Laboratory for Inherited Cardiovascular Disease, Montreal Heart Institute
Classification: Benign. Last evaluated: 2026-09-21. Review status: criteria provided, single submitter. Criteria: ACMG Guidelines, 2015. Collection method: clinical testing. Allele origin: germline. Affected: no.
Comment: BA1

GeneDx
Classification: Benign. Last evaluated: 2018-06-14. Review status: criteria provided, single submitter. Criteria: GeneDx Variant Classification (06012015). Collection method: clinical testing. Allele origin: germline. Affected: yes.
Comment: This variant is considered likely benign or benign based on one or more of the following criteria: it is a conservative change, it occurs at a poorly conserved position in the protein, it is predicted to be benign by multiple in silico algorithms, and/or has population frequency not consistent with disease.

Mayo Clinic Laboratories, Mayo Clinic
Classification: Benign. Last evaluated: 2014-02-17. Review status: criteria provided, single submitter. Criteria: ACMG Guidelines, 2015. Collection method: clinical testing. Allele origin: germline. Observed: 596 variant alleles.

Breakthrough Genomics
Classification: Benign. Review status: criteria provided, single submitter. Criteria: ACMG Guidelines, 2015. Collection method: not provided. Allele origin: germline. Inheritance: Autosomal recessive inheritance. Affected: yes.